The following is an entry in ClinVar:

NM_001365999.1(SZT2):c.5772G>T (p.Leu1924=)

Gene: SZT2 (SZT2 subunit of KICSTOR complex; plus strand). Cytogenetic location: 1p34.2.
Variant type: single nucleotide variant.
Coding change: c.5772G>T on transcript NM_001365999.1 (MANE Select); coding-DNA position 5772, G replaced by T.
Protein change: p.Leu1924=; no amino-acid change (leucine 1924 retained).
Molecular consequence: synonymous variant.
Genome position (GRCh38, 1-based): chr1:43,433,158, G>T. VCF-style: chr1-43433158-G-T. GRCh37 (hg19) VCF-style: chr1-43898829-G-T.
Other names: c.5601G>T, p.Leu1867= (NM_015284.4).
Identifiers: ClinVar variation 212365 (VCV000212365.45), dbSNP rs187188981, ClinGen allele CA208534.

ClinVar aggregate classification (germline): Conflicting classifications of pathogenicity. Review status: criteria provided, conflicting classifications (1 of 4 stars). 7 submissions from 7 submitters: Uncertain significance (1); Likely benign (5). 1 of the submissions does not count toward it. Last evaluated 2026-07-01.

Conditions:
SZT2-related disorder. Also called: SZT2-related condition.
Inborn genetic diseases. Identifiers: MedGen C0950123, MeSH D030342.

Allele frequency attached by ClinVar (database versions not stated): gnomAD exomes 0.00003 and 0.00008; ExAC 0.00010; gnomAD 0.00011 and 0.00012; TOPMed 0.00011; 1000 Genomes Project 30x 0.00062; 1000 Genomes Project 0.00080.
gnomAD v4.1: 71 of 1,613,994 alleles (0.0044%); highest among the groups gnomAD compares: Middle Eastern, 0.099%; no homozygotes.

Submissions (7):

CeGaT Center for Human Genetics Tuebingen
Classification: Likely benign. Last evaluated: 2026-07-01. Review status: criteria provided, single submitter. Criteria: CeGaT Center For Human Genetics Tuebingen Variant Classification Criteria Version 2. Collection method: clinical testing. Allele origin: germline. Affected: yes. Observed: 2 variant alleles.
Comment: SZT2: BP4, BP7

Labcorp Genetics (formerly Invitae), Labcorp
Classification: Likely benign. Last evaluated: 2026-01-12. Review status: criteria provided, single submitter. Criteria: Invitae Variant Classification Sherloc (09022015). Collection method: clinical testing. Allele origin: germline.

Women's Health and Genetics/Laboratory Corporation of America, LabCorp
Classification: Likely benign. Last evaluated: 2025-01-22. Review status: criteria provided, single submitter. Criteria: LabCorp Variant Classification Summary - May 2015. Collection method: clinical testing. Allele origin: germline.

Blueprint Genetics
Classification: Likely benign. Last evaluated: 2024-08-12. Review status: criteria provided, single submitter. Criteria: ACMG Guidelines, 2015. Collection method: clinical testing. Allele origin: germline.

Ambry Genetics
Classification: Likely benign for Inborn genetic diseases. Last evaluated: 2018-02-06. Review status: criteria provided, single submitter. Criteria: Ambry Variant Classification Scheme 2023. Collection method: clinical testing. Allele origin: germline.

Genetic Services Laboratory, University of Chicago
Classification: Uncertain significance. Last evaluated: 2015-04-03. Review status: criteria provided, single submitter. Criteria: ACMG Guidelines, 2015. Collection method: clinical testing. Allele origin: germline.

PreventionGenetics, part of Exact Sciences
Classification: Likely benign for SZT2-related condition. Last evaluated: 2019-08-14. Review status: no assertion criteria provided. Collection method: clinical testing. Allele origin: germline. Not counted in ClinVar's aggregate classification.
Comment: This variant is classified as likely benign based on ACMG/AMP sequence variant interpretation guidelines (Richards et al. 2015 PMID: 25741868, with internal and published modifications).